The following is an entry in ClinVar:

ClinVar aggregate classification (germline): Uncertain significance (1 of 4 stars; one submission).

Conditions:
Seizures, benign familial infantile, 3 (BFIS3). Also called: Familial neonatal seizures; CONVULSIONS, BENIGN FAMILIAL INFANTILE, 3. Identifiers: Orphanet 140927, Orphanet 306, MedGen C1843140, MONDO:0011904, OMIM 607745.
Developmental and epileptic encephalopathy, 11 (DEE11). Also called: Early infantile epileptic encephalopathy 11. Identifiers: Orphanet 1934, MedGen C3150987, MONDO:0013388, OMIM 613721.

gnomAD v4.1: 9 of 1,613,980 alleles (0.00056%); highest among the groups gnomAD compares: Non-Finnish European, 0.00068%; no homozygotes.

Submission:

Labcorp Genetics (formerly Invitae), Labcorp
Classification: Uncertain significance for Seizures, benign familial infantile, 3; Developmental and epileptic encephalopathy, 11. Last evaluated: 2024-12-15. Review status: criteria provided, single submitter. Criteria: Invitae Variant Classification Sherloc (09022015). Collection method: clinical testing. Allele origin: germline.
Comment: This sequence change replaces histidine, which is basic and polar, with arginine, which is basic and polar, at codon 689 of the SCN2A protein (p.His689Arg). This variant is present in population databases (rs778275125, gnomAD 0.0009%). This variant has not been reported in the literature in individuals affected with SCN2A-related conditions. Invitae Evidence Modeling of protein sequence and biophysical properties (such as structural, functional, and spatial information, amino acid conservation, physicochemical variation, residue mobility, and thermodynamic stability) indicates that this missense variant is not expected to disrupt SCN2A protein function with a negative predictive value of 95%. In summary, the available evidence is currently insufficient to determine the role of this variant in disease. Therefore, it has been classified as a Variant of Uncertain Significance.

NM_001040142.2(SCN2A):c.2066A>G (p.His689Arg)

Gene: SCN2A (sodium voltage-gated channel alpha subunit 2; plus strand). Cytogenetic location: 2q24.3.
Variant type: single nucleotide variant.
Coding change: c.2066A>G on transcript NM_001040142.2 (MANE Select); coding-DNA position 2066, A replaced by G.
Protein change: p.His689Arg; replaces histidine 689 with arginine.
Molecular consequence: missense variant.
Genome position (GRCh38, 1-based): chr2:165,326,901, A>G. VCF-style: chr2-165326901-A-G. GRCh37 (hg19) VCF-style: chr2-166183411-A-G.
Other names: c.2066A>G, p.His689Arg (NM_001040143.2, NM_001371246.1, NM_001371247.1 and 1 more transcripts); short protein forms H689R.
Identifiers: ClinVar variation 3747920 (VCV003747920.2).